The following is an entry in ClinVar:

NM_005340.7(HINT1):c.242G>T (p.Gly81Val)

Gene: HINT1 (histidine triad nucleotide binding protein 1; minus strand). Cytogenetic location: 5q23.3.
Variant type: single nucleotide variant.
Coding change: c.242G>T on transcript NM_005340.7 (MANE Select); coding-DNA position 242, G replaced by T.
Protein change: p.Gly81Val; replaces glycine 81 with valine.
Molecular consequence: missense variant. On other transcripts: non-coding transcript variant (5).
Genome position (GRCh38, 1-based): chr5:131,159,586, C>A on the plus strand (G>T on the coding strand, the complement: HINT1 is on the minus strand). VCF-style: chr5-131159586-C-A. GRCh37 (hg19) VCF-style: chr5-130495279-C-A.
Other names: short protein forms G81V.
Identifiers: ClinVar variation 665858 (VCV000665858.9), dbSNP rs1580682534, ClinGen allele CA360838304.
Genomic context (GRCh38, chr5:131,159,586, plus strand): 5'-CCTTCATTCACCACCATTCGATAACCCTTATTCAGGCCCAGATCAGCAGCACATTTCTTG[C>A]CAACAATCATTAAGTGTCCAAGAAGCTGGAAAAGGAAAAAAAGTTTCTTAGGCACAGGCA-3'
Protein context (NP_005331.1, residues 71-91): ESLLGHLMIV[Gly81Val]KKCAADLGLN

ClinVar aggregate classification (germline): Uncertain significance (1 of 4 stars; one submission).

Conditions:
Autosomal recessive axonal neuropathy with neuromyotonia (NMAN). Also called: Neuromyotonia and axonal neuropathy, autosomal recessive; Gamstorp-Wohlfart syndrome; MYOKYMIA, MYOTONIA, AND MUSCLE WASTING. Identifiers: Orphanet 324442, MedGen C5700127, MONDO:0007646, OMIM 137200.

Submission:

Labcorp Genetics (formerly Invitae), Labcorp
Classification: Uncertain significance for Autosomal recessive axonal neuropathy with neuromyotonia. Last evaluated: 2018-07-10. Review status: criteria provided, single submitter. Criteria: Invitae Variant Classification Sherloc (09022015). Collection method: clinical testing. Allele origin: germline.
Comment: Algorithms developed to predict the effect of missense changes on protein structure and function are either unavailable or do not agree on the potential impact of this missense change (SIFT: "Deleterious"; PolyPhen-2: "Possibly Damaging"; Align-GVGD: "Class C0"). In summary, the available evidence is currently insufficient to determine the role of this variant in disease. Therefore, it has been classified as a Variant of Uncertain Significance. This variant has not been reported in the literature in individuals with HINT1-related disease. This variant is not present in population databases (ExAC no frequency). This sequence change replaces glycine with valine at codon 81 of the HINT1 protein (p.Gly81Val). The glycine residue is moderately conserved and there is a moderate physicochemical difference between glycine and valine.